The following is an entry in ClinVar:

NM_000540.3(RYR1):c.7797G>A (p.Gln2599=)

Gene: RYR1 (ryanodine receptor 1; plus strand). Cytogenetic location: 19q13.2.
Variant type: single nucleotide variant.
Coding change: c.7797G>A on transcript NM_000540.3 (MANE Select); coding-DNA position 7797, G replaced by A.
Protein change: p.Gln2599=; no amino-acid change (glutamine 2599 retained).
Molecular consequence: synonymous variant.
Genome position (GRCh38, 1-based): chr19:38,502,689, G>A. VCF-style: chr19-38502689-G-A. GRCh37 (hg19) VCF-style: chr19-38993329-G-A.
Other names: c.7797G>A, p.Gln2599= (NM_001042723.2).
Identifiers: ClinVar variation 478277 (VCV000478277.49), dbSNP rs151309597, ClinGen allele CA070290.

ClinVar aggregate classification (germline): Likely benign. Review status: criteria provided, multiple submitters, no conflicts (2 of 4 stars). 5 submissions from 5 submitters: Likely benign (5). Last evaluated 2026-08-01.

Conditions:
RYR1-related disorder. Also called: RYR1-related disorders; RYR1-related condition. Identifiers: MedGen CN239331.
Malignant hyperthermia, susceptibility to, 1 (MHS1). Also called: Anesthesia related hyperthermia; Malignant hyperpyrexia; Fulminating hyperpyrexia; Pharmacogenic myopathy; Malignant hyperthermia suceptibility 1; RYR1-Related Malignant Hyperthermia Susceptibility. Identifiers: Orphanet 423, MedGen C2930980, MONDO:0007783, OMIM 145600.

Allele frequency attached by ClinVar (database versions not stated): TOPMed 0.00009; ExAC 0.00010; gnomAD exomes 0.00013; ESP Exome Variant Server 0.00015; gnomAD 0.00018 and 0.00019.
gnomAD v4.1: 208 of 1,608,114 alleles (0.013%); highest among the groups gnomAD compares: Middle Eastern, 0.016%; no homozygotes.

Submissions (5):

CeGaT Center for Human Genetics Tuebingen
Classification: Likely benign. Last evaluated: 2026-08-01. Review status: criteria provided, single submitter. Criteria: CeGaT Center For Human Genetics Tuebingen Variant Classification Criteria Version 2. Collection method: clinical testing. Allele origin: germline. Affected: yes. Observed: 2 variant alleles.
Comment: RYR1: BP4, BP7

Labcorp Genetics (formerly Invitae), Labcorp
Classification: Likely benign for RYR1-related disorder. Last evaluated: 2026-01-17. Review status: criteria provided, single submitter. Criteria: Invitae Variant Classification Sherloc (09022015). Collection method: clinical testing. Allele origin: germline.

Blueprint Genetics
Classification: Likely benign. Last evaluated: 2024-11-08. Review status: criteria provided, single submitter. Criteria: ACMG Guidelines, 2015. Collection method: clinical testing. Allele origin: germline.

All of Us Research Program, National Institutes of Health
Classification: Likely benign for Malignant hyperthermia, susceptibility to, 1. Last evaluated: 2024-02-05. Review status: criteria provided, single submitter. Criteria: ACMG Guidelines, 2015. Collection method: clinical testing. Allele origin: germline. Inheritance: Autosomal dominant inheritance. Observed: 41 variant alleles, 41 heterozygotes.
Comment: This variant is located in the RYR1 protein. To our knowledge, functional studies have not been reported for this variant. This variant has not been reported in individuals affected with RYR1-related disorders in the literature. This variant has been identified in 43/279754 chromosomes in the general population by the Genome Aggregation Database (gnomAD). The available evidence is insufficient to determine the role of this variant in disease conclusively. Therefore, this variant is classified as a Variant of Uncertain Significance.

This study involves interpretation of variants in research participants for the purpose of population health screening. Participant phenotype was not available at the time of variant classification. Additional details can be found in publication PMID: 35346344, PMCID: PMC8962531

Color Diagnostics, LLC DBA Color Health
Classification: Likely benign for Malignant hyperthermia, susceptibility to, 1. Last evaluated: 2023-05-08. Review status: criteria provided, single submitter. Criteria: ACMG Guidelines, 2015. Collection method: clinical testing. Allele origin: germline.